The following is an entry in ClinVar:

NM_005393.3(PLXNB3):c.3377T>A (p.Leu1126Gln)

Gene: PLXNB3 (plexin B3; plus strand). Cytogenetic location: Xq28.
Variant type: single nucleotide variant.
Coding change: c.3377T>A on transcript NM_005393.3 (MANE Select); coding-DNA position 3377, T replaced by A.
Protein change: p.Leu1126Gln; replaces leucine 1126 with glutamine.
Molecular consequence: missense variant.
Genome position (GRCh38, 1-based): chrX:153,773,956, T>A. VCF-style: chrX-153773956-T-A. GRCh37 (hg19) VCF-style: chrX-153039411-T-A.
Other names: c.3446T>A, p.Leu1149Gln (NM_001163257.2); short protein forms L1126Q, L1149Q.
Identifiers: ClinVar variation 2629741 (VCV002629741.1), dbSNP rs2522421225, ClinGen allele CA415121751.

ClinVar aggregate classification (germline): Uncertain significance (1 of 4 stars; one submission).

Conditions:
PLXNB3-related disorder. Also called: PLXNB3-related condition.

Submission:

PreventionGenetics, part of Exact Sciences
Classification: Uncertain significance for PLXNB3-related condition. Last evaluated: 2023-04-18. Review status: criteria provided, single submitter. Criteria: ACMG Guidelines, 2015. Collection method: clinical testing. Allele origin: germline.
Comment: The PLXNB3 c.3446T>A variant is predicted to result in the amino acid substitution p.Leu1149Gln. To our knowledge, this variant has not been reported in the literature or in a large population database, indicating this variant is rare. At this time, the clinical significance of this variant is uncertain due to the absence of conclusive functional and genetic evidence.